The following is an entry in ClinVar:

ClinVar aggregate classification (germline): Pathogenic (1 of 4 stars; one submission).

Conditions:
Familial adenomatous polyposis 1 (FAP1). Also called: POLYPOSIS, ADENOMATOUS INTESTINAL; FAMILIAL ADENOMATOUS POLYPOSIS 1, ATTENUATED. Identifiers: MedGen C2713442, MONDO:0021056, OMIM 175100. Disease mechanism: loss of function.

Submission:

Myriad Genetics, Inc.
Classification: Pathogenic for Familial adenomatous polyposis 1. Last evaluated: 2024-01-10. Review status: criteria provided, single submitter. Criteria: Myriad Autosomal Dominant, Autosomal Recessive and X-Linked Classification Criteria (2023). Collection method: clinical testing. Allele origin: unknown.
Comment: This variant is considered pathogenic. This variant creates a frameshift predicted to result in premature protein truncation.

NM_000038.6(APC):c.4170del (p.Ser1391fs)

Gene: APC (APC regulator of Wnt signaling pathway; plus strand). Cytogenetic location: 5q22.2.
Variant type: Deletion.
Coding change: c.4170del on transcript NM_000038.6 (MANE Select); coding-DNA position 4170, one base deleted (C; older notation c.4170delC).
Protein change: p.Ser1391fs; shifts the reading frame from serine 1391.
Molecular consequence: frameshift variant. On other transcripts: non-coding transcript variant (2).
Genome position (GRCh38, 1-based): chr5:112,839,764, C deleted. VCF-style (leftmost placement, unchanged base first): chr5-112839763-TC-T. GRCh37 (hg19) VCF-style: chr5-112175460-TC-T.
Other names: c.4170del, p.Ser1391fs (NM_001127510.3, NM_001354895.2, NM_001407450.1); c.4116del, p.Ser1373fs (NM_001127511.3); c.4224del, p.Ser1409fs (NM_001354896.2, NM_001407447.1, NM_001407448.1 and 1 more transcripts); c.4200del, p.Ser1401fs (NM_001354897.2); c.4095del, p.Ser1366fs (NM_001354898.2); c.4086del, p.Ser1363fs (NM_001354899.2); c.4047del, p.Ser1350fs (NM_001354900.2); c.3993del, p.Ser1332fs (NM_001354901.2, NM_001407453.1); and 11 more; short protein forms S1231fs, S1308fs, S1350fs, S1363fs, S1373fs, S1366fs, S1381fs, S1108fs.
Identifiers: ClinVar variation 3148671 (VCV003148671.1), dbSNP rs2533554073, ClinGen allele CA2825001371.
Genomic context (GRCh38, chr5:112,839,763, plus strand): 5'-AAAGTCCACCTGAACACTATGTTCAGGAGACCCCACTCATGTTTAGCAGATGTACTTCTG[TC>T]AGTTCACTTGATAGTTTTGAGAGTCGTTCGATTGCCAGCTCCGTTCAGAGTGAACCATGC-3'